The following is an entry in ClinVar:

NM_014974.3(DIP2C):c.3257C>T (p.Thr1086Met)

Genes: DIP2C (DIP2 acetate--CoA ligase C (putative); minus strand), LOC126860805 (BRD4-independent group 4 enhancer GRCh37_chr10:390524-391723; plus strand). Cytogenetic location: 10p15.3.
Variant type: single nucleotide variant.
Coding change: c.3257C>T on transcript NM_014974.3 (MANE Select); coding-DNA position 3257, C replaced by T.
Protein change: p.Thr1086Met; replaces threonine 1086 with methionine.
Molecular consequence: missense variant.
Genome position (GRCh38, 1-based): chr10:345,085, G>A on the plus strand (C>T on the coding strand, the complement: DIP2C is on the minus strand). VCF-style: chr10-345085-G-A. GRCh37 (hg19) VCF-style: chr10-391025-G-A.
Other names: short protein forms T1086M.
Identifiers: ClinVar variation 1928535 (VCV001928535.5), dbSNP rs2540550329, ClinGen allele CA375830313.
Genomic context (GRCh38, chr10:345,085, plus strand): 5'-CTGACGTCCACAGCCGCCGCCGCCTCCCTGGACCGCAGCAACTTACAGATCAGCTGTGTC[G>A]TCATCAGACAGGCAGAGCGACTCACCTGGCATCAGAGAGCGAGAATGGAGCCATGAACGT-3'
Protein context (NP_055789.1, residues 1076-1096): VEVSRSACLM[Thr1086Met]TQLICKLLRS

ClinVar aggregate classification (germline): Uncertain significance (1 of 4 stars; one submission).

Allele frequency attached by ClinVar (database versions not stated): gnomAD exomes below 0.00001.
gnomAD v4.1: 2 of 1,613,034 alleles (0.00012%); highest among the groups gnomAD compares: Non-Finnish European, 0.000085%; no homozygotes.

Submission:

Labcorp Genetics (formerly Invitae), Labcorp
Classification: Uncertain significance. Last evaluated: 2022-07-19. Review status: criteria provided, single submitter. Criteria: Invitae Variant Classification Sherloc (09022015). Collection method: clinical testing. Allele origin: germline.
Comment: In summary, the available evidence is currently insufficient to determine the role of this variant in disease. Therefore, it has been classified as a Variant of Uncertain Significance. Algorithms developed to predict the effect of missense changes on protein structure and function are either unavailable or do not agree on the potential impact of this missense change (SIFT: "Deleterious"; PolyPhen-2: "Probably Damaging"; Align-GVGD: "Class C0"). This variant has not been reported in the literature in individuals affected with DIP2C-related conditions. This variant is not present in population databases (gnomAD no frequency). This sequence change replaces threonine, which is neutral and polar, with methionine, which is neutral and non-polar, at codon 1086 of the DIP2C protein (p.Thr1086Met).